The following is an entry in ClinVar:

NM_001371986.1(UNC80):c.5650G>A (p.Val1884Ile)

Gene: UNC80 (unc-80 subunit of NALCN channel complex; plus strand). Cytogenetic location: 2q34.
Variant type: single nucleotide variant.
Coding change: c.5650G>A on transcript NM_001371986.1 (MANE Select); coding-DNA position 5650, G replaced by A.
Protein change: p.Val1884Ile; replaces valine 1884 with isoleucine.
Molecular consequence: missense variant.
Genome position (GRCh38, 1-based): chr2:209,922,371, G>A. VCF-style: chr2-209922371-G-A. GRCh37 (hg19) VCF-style: chr2-210787095-G-A.
Other names: c.5452G>A, p.Val1818Ile (NM_032504.2); c.5437G>A, p.Val1813Ile (NM_182587.4); c.5452G>A (NM_032504.1); short protein forms V1813I, V1818I, V1884I.
Identifiers: ClinVar variation 1376328 (VCV001376328.8), dbSNP rs377263179, ClinGen allele CA2083307.

ClinVar aggregate classification (germline): Uncertain significance. Review status: criteria provided, multiple submitters, no conflicts (2 of 4 stars). 2 submissions from 2 submitters: Uncertain significance (2). Last evaluated 2025-03-31.

Conditions:
Inborn genetic diseases. Identifiers: MedGen C0950123, MeSH D030342.

Allele frequency attached by ClinVar (database versions not stated): gnomAD 0.00003; ExAC 0.00009; ESP Exome Variant Server 0.00022.
gnomAD v4.1: 56 of 1,551,460 alleles (0.0036%); highest among the groups gnomAD compares: Middle Eastern, 0.017%; no homozygotes.

Submissions (2):

Labcorp Genetics (formerly Invitae), Labcorp
Classification: Uncertain significance. Last evaluated: 2025-03-31. Review status: criteria provided, single submitter. Criteria: Invitae Variant Classification Sherloc (09022015). Collection method: clinical testing. Allele origin: germline.
Comment: This sequence change replaces valine, which is neutral and non-polar, with isoleucine, which is neutral and non-polar, at codon 1818 of the UNC80 protein (p.Val1818Ile). This variant is present in population databases (rs377263179, gnomAD 0.08%). This variant has not been reported in the literature in individuals affected with UNC80-related conditions. ClinVar contains an entry for this variant (Variation ID: 1376328). Invitae Evidence Modeling of protein sequence and biophysical properties (such as structural, functional, and spatial information, amino acid conservation, physicochemical variation, residue mobility, and thermodynamic stability) indicates that this missense variant is not expected to disrupt UNC80 protein function with a negative predictive value of 80%. In summary, the available evidence is currently insufficient to determine the role of this variant in disease. Therefore, it has been classified as a Variant of Uncertain Significance.

Ambry Genetics
Classification: Uncertain significance for Inborn genetic diseases. Last evaluated: 2024-09-11. Review status: criteria provided, single submitter. Criteria: Ambry Variant Classification Scheme 2023. Collection method: clinical testing. Allele origin: germline.